The following is an entry in ClinVar:

ClinVar aggregate classification (germline): Conflicting classifications of pathogenicity. Review status: criteria provided, conflicting classifications (1 of 4 stars). 11 submissions from 10 submitters: Uncertain significance (2); Benign (1); Likely benign (5). 3 of the submissions do not count toward it. Last evaluated 2026-09-01.

Conditions:
Emery-Dreifuss muscular dystrophy 4, autosomal dominant (EDMD4). Also called: EMERY-DREIFUSS MUSCULAR DYSTROPHY 4 WITH VARIABLE FEATURES. Identifiers: Orphanet 261, MedGen C2751807, MONDO:0013071, OMIM 612998.
Autosomal recessive ataxia, Beauce type. Also called: SYNE1-Related Autosomal Recessive Cerebellar Ataxia; SYNE1 Deficiency; ATAXIA, RECESSIVE, OF BEAUCE; Spinocerebellar ataxia, autosomal recessive 8. Identifiers: Orphanet 88644, MedGen C1853116, MONDO:0012549, OMIM 610743.
Intellectual disability. Also called: Intellectual functioning disability; Intellectual developmental disorder; intellectual disabilities. Identifiers: MedGen C3714756, MeSH D008607, MONDO:0001071, HP:0001249.

Allele frequency attached by ClinVar (database versions not stated): gnomAD exomes 0.00034; ExAC 0.00038; gnomAD 0.00048 and 0.00050; TOPMed 0.00051; ESP Exome Variant Server 0.00092.
gnomAD v4.1: 1,035 of 1,614,048 alleles (0.064%); highest among the groups gnomAD compares: Non-Finnish European, 0.079%; 1 homozygote.

Submissions (11):

CeGaT Center for Human Genetics Tuebingen
Classification: Likely benign. Last evaluated: 2026-09-01. Review status: criteria provided, single submitter. Criteria: CeGaT Center For Human Genetics Tuebingen Variant Classification Criteria Version 2. Collection method: clinical testing. Allele origin: germline. Affected: yes. Observed: 6 variant alleles.
Comment: SYNE1: BP4

Labcorp Genetics (formerly Invitae), Labcorp
Classification: Likely benign for Emery-Dreifuss muscular dystrophy 4, autosomal dominant; Autosomal recessive ataxia, Beauce type. Last evaluated: 2026-01-22. Review status: criteria provided, single submitter. Criteria: Invitae Variant Classification Sherloc (09022015). Collection method: clinical testing. Allele origin: germline.

Blueprint Genetics
Classification: Likely benign. Last evaluated: 2024-11-14. Review status: criteria provided, single submitter. Criteria: ACMG Guidelines, 2015. Collection method: clinical testing. Allele origin: germline.

Athena Diagnostics
Classification: Likely benign. Last evaluated: 2024-05-15. Review status: criteria provided, single submitter. Criteria: Athena Diagnostics Criteria. Collection method: clinical testing. Allele origin: unknown.

GeneDx
Classification: Likely benign. Last evaluated: 2018-02-28. Review status: criteria provided, single submitter. Criteria: GeneDx Variant Classification (06012015). Collection method: clinical testing. Allele origin: germline. Affected: yes.
Comment: This variant is considered likely benign or benign based on one or more of the following criteria: it is a conservative change, it occurs at a poorly conserved position in the protein, it is predicted to be benign by multiple in silico algorithms, and/or has population frequency not consistent with disease.

Illumina Laboratory Services, Illumina
Classification: Benign for Emery-Dreifuss muscular dystrophy 4, autosomal dominant. Last evaluated: 2018-01-13. Review status: criteria provided, single submitter. Criteria: ICSL Variant Classification Criteria 13 December 2019. Collection method: clinical testing. Allele origin: germline.
Comment: This variant was observed in the ICSL laboratory as part of a predisposition screen in an ostensibly healthy population. It had not been previously curated by ICSL or reported in the Human Gene Mutation Database (HGMD: prior to June 1st, 2018), and was therefore a candidate for classification through an automated scoring system. Utilizing variant allele frequency, disease prevalence and penetrance estimates, and inheritance mode, an automated score was calculated to assess if this variant is too frequent to cause the disease. Based on the score and internal cut-off values, a variant classified as benign is not then subjected to further curation. The score for this variant resulted in a classification of benign for this disease.

Illumina Laboratory Services, Illumina
Classification: Uncertain significance for Autosomal recessive ataxia, Beauce type. Last evaluated: 2018-01-13. Review status: criteria provided, single submitter. Criteria: ICSL Variant Classification Criteria 13 December 2019. Collection method: clinical testing. Allele origin: germline.

Eurofins Ntd Llc (ga)
Classification: Uncertain significance. Last evaluated: 2016-01-25. Review status: criteria provided, single submitter. Criteria: EGL Classification Definitions 2015. Collection method: clinical testing. Allele origin: germline. Observed: 6 variant alleles, 6 heterozygotes.

Centre de Biologie Pathologie Génétique, Centre Hospitalier Universitaire de Lille
Classification: Likely benign for Intellectual disability. Last evaluated: 2019-01-01. Review status: no assertion criteria provided. Collection method: clinical testing. Allele origin: inherited. Affected: yes. Not counted in ClinVar's aggregate classification.

Clinical Genetics DNA and cytogenetics Diagnostics Lab, Erasmus MC, Erasmus Medical Center
Classification: Likely benign. Review status: no assertion criteria provided. Collection method: clinical testing. Allele origin: germline. Affected: yes. Study: VKGL Data-share Consensus. Not counted in ClinVar's aggregate classification.

Joint Genome Diagnostic Labs from Nijmegen and Maastricht, Radboudumc and MUMC+
Classification: Likely benign. Review status: no assertion criteria provided. Collection method: clinical testing. Allele origin: germline. Affected: yes. Study: VKGL Data-share Consensus. Not counted in ClinVar's aggregate classification.

NM_182961.4(SYNE1):c.17542-7G>A

Gene: SYNE1 (spectrin repeat containing nuclear envelope protein 1; minus strand). Cytogenetic location: 6q25.2.
Variant type: single nucleotide variant.
Coding change: c.17542-7G>A on transcript NM_182961.4 (MANE Select); 7 bases into the intron before coding-DNA position 17542, G replaced by A.
Molecular consequence: intron variant.
Genome position (GRCh38, 1-based): chr6:152,300,788, C>T on the plus strand (G>A on the coding strand, the complement: SYNE1 is on the minus strand). VCF-style: chr6-152300788-C-T. GRCh37 (hg19) VCF-style: chr6-152621923-C-T.
Other names: c.17329-7G>A (NM_033071.5).
Identifiers: ClinVar variation 285815 (VCV000285815.68), dbSNP rs199762799, ClinGen allele CA4055194.
Genomic context (GRCh38, chr6:152,300,788, plus strand): 5'-CCCAGACTCCTCAGTGACCGGTGACAGCAAAGTGTGACAGCGACCTGCAGTCATCTGCCA[C>T]GTAAAATGTAGCCCAAAGGACATGAAAATCAATTAGCTATGTTAACATAAGTCCTGTTCA-3'